The following is an entry in ClinVar:

NM_006514.4(SCN10A):c.4873G>A (p.Gly1625Ser)

Gene: SCN10A (sodium voltage-gated channel alpha subunit 10; minus strand). Cytogenetic location: 3p22.2.
Variant type: single nucleotide variant.
Coding change: c.4873G>A on transcript NM_006514.4 (MANE Select); coding-DNA position 4873, G replaced by A.
Protein change: p.Gly1625Ser; replaces glycine 1625 with serine.
Molecular consequence: missense variant.
Genome position (GRCh38, 1-based): chr3:38,698,347, C>T on the plus strand (G>A on the coding strand, the complement: SCN10A is on the minus strand). VCF-style: chr3-38698347-C-T. GRCh37 (hg19) VCF-style: chr3-38739838-C-T.
Other names: c.4870G>A, p.Gly1624Ser (NM_001293306.2); c.4579G>A, p.Gly1527Ser (NM_001293307.2); short protein forms G1527S, G1624S, G1625S.
Identifiers: ClinVar variation 1218466 (VCV001218466.3), dbSNP rs776389291, ClinGen allele CA2319790.

ClinVar aggregate classification (germline): Uncertain significance (1 of 4 stars; one submission).

Allele frequency attached by ClinVar (database versions not stated): gnomAD 0.00001.
gnomAD v4.1: 18 of 1,613,774 alleles (0.0011%); highest among the groups gnomAD compares: South Asian, 0.011%; no homozygotes.

Submission:

GeneDx
Classification: Uncertain significance. Last evaluated: 2021-01-08. Review status: criteria provided, single submitter. Criteria: GeneDx Variant Classification Process June 2021. Collection method: clinical testing. Allele origin: germline. Affected: yes.
Comment: In silico analysis, which includes protein predictors and evolutionary conservation, supports a deleterious effect; Has not been previously published as pathogenic or benign to our knowledge; Not observed at a significant frequency in large population cohorts (Lek et al., 2016)